The following is an entry in ClinVar:

ClinVar aggregate classification (germline): Uncertain significance. Review status: criteria provided, multiple submitters, no conflicts (2 of 4 stars). 3 submissions from 3 submitters: Uncertain significance (2). 1 of the submissions does not count toward it. Last evaluated 2025-05-12.

Conditions:
Primary open angle glaucoma (POAG). Also called: OPTN-related open angle glaucoma. Identifiers: MedGen C0339573, MONDO:0100553, OMIM 137760.
Amyotrophic lateral sclerosis type 12 (ALS12). Also called: AMYOTROPHIC LATERAL SCLEROSIS 12 WITH OR WITHOUT FRONTOTEMPORAL DEMENTIA. Identifiers: Orphanet 803, MedGen C3150692, MONDO:0013264, OMIM 613435.
Glaucoma 1, open angle, E. Identifiers: MedGen C1842026, MONDO:0007665.
OPTN-related disorder. Also called: OPTN-related disorders; OPTN-related condition.
Inborn genetic diseases. Identifiers: MedGen C0950123, MeSH D030342.

Allele frequency attached by ClinVar (database versions not stated): ESP Exome Variant Server 0.00008; gnomAD 0.00008.
gnomAD v4.1: 17 of 1,613,884 alleles (0.0011%); highest among the groups gnomAD compares: African/African-American, 0.02%; no homozygotes.

Submissions (3):

Labcorp Genetics (formerly Invitae), Labcorp
Classification: Uncertain significance for Primary open angle glaucoma; Glaucoma 1, open angle, E; Amyotrophic lateral sclerosis type 12. Last evaluated: 2025-05-12. Review status: criteria provided, single submitter. Criteria: Invitae Variant Classification Sherloc (09022015). Collection method: clinical testing. Allele origin: germline.
Comment: This sequence change replaces serine, which is neutral and polar, with alanine, which is neutral and non-polar, at codon 129 of the OPTN protein (p.Ser129Ala). This variant is present in population databases (rs369071606, gnomAD 0.02%). This variant has not been reported in the literature in individuals affected with OPTN-related conditions. ClinVar contains an entry for this variant (Variation ID: 2473605). An algorithm developed to predict the effect of missense changes on protein structure and function (PolyPhen-2) suggests that this variant is likely to be tolerated. In summary, the available evidence is currently insufficient to determine the role of this variant in disease. Therefore, it has been classified as a Variant of Uncertain Significance.

Ambry Genetics
Classification: Uncertain significance for Inborn genetic diseases. Last evaluated: 2025-04-09. Review status: criteria provided, single submitter. Criteria: Ambry Variant Classification Scheme 2023. Collection method: clinical testing. Allele origin: germline.
Comment: Unlikely to be causative of OPTN-related amyotrophic lateral sclerosis (AD) Based on insufficient or conflicting evidence, the clinical significance of this alteration remains unclear.

PreventionGenetics, part of Exact Sciences
Classification: Uncertain significance for OPTN-related condition. Last evaluated: 2024-08-18. Review status: no assertion criteria provided. Collection method: clinical testing. Allele origin: germline. Not counted in ClinVar's aggregate classification.
Comment: The OPTN c.385T>G variant is predicted to result in the amino acid substitution p.Ser129Ala. To our knowledge, this variant has not been reported in the literature. This variant is reported in 0.020% of alleles in individuals of African descent in gnomAD. At this time, the clinical significance of this variant is uncertain due to the absence of conclusive functional and genetic evidence.

NM_001008212.2(OPTN):c.385T>G (p.Ser129Ala)

Gene: OPTN (optineurin; plus strand). Cytogenetic location: 10p13.
Variant type: single nucleotide variant.
Coding change: c.385T>G on transcript NM_001008212.2 (MANE Select); coding-DNA position 385, T replaced by G.
Protein change: p.Ser129Ala; replaces serine 129 with alanine.
Molecular consequence: missense variant.
Genome position (GRCh38, 1-based): chr10:13,112,468, T>G. VCF-style: chr10-13112468-T-G. GRCh37 (hg19) VCF-style: chr10-13154468-T-G.
Other names: c.385T>G, p.Ser129Ala (NM_001008211.1, NM_001008213.1, NM_021980.4); short protein forms S129A.
Identifiers: ClinVar variation 2473605 (VCV002473605.5), dbSNP rs369071606, ClinGen allele CA5410608.